The following is an entry in ClinVar:

ClinVar aggregate classification (germline): Uncertain significance. Review status: criteria provided, multiple submitters, no conflicts (2 of 4 stars). 2 submissions from 2 submitters: Uncertain significance (2). Last evaluated 2024-11-23.

Conditions:
Charcot-Marie-Tooth disease axonal type 2C (HMSN2C). Also called: CHARCOT-MARIE-TOOTH DISEASE, AXONAL, AUTOSOMAL DOMINANT, TYPE 2C; Charcot-Marie-Tooth Neuropathy Type 2C; Charcot-Marie-Tooth Disease Type 2, TRPV4-Related (CMT2C). Identifiers: Orphanet 99937, MedGen C1853710, MONDO:0011633, OMIM 606071.

gnomAD v4.1: 9 of 1,614,178 alleles (0.00056%); highest among the groups gnomAD compares: East Asian, 0.011%; no homozygotes.

Submissions (2):

Labcorp Genetics (formerly Invitae), Labcorp
Classification: Uncertain significance for Charcot-Marie-Tooth disease axonal type 2C. Last evaluated: 2024-11-23. Review status: criteria provided, single submitter. Criteria: Invitae Variant Classification Sherloc (09022015). Collection method: clinical testing. Allele origin: germline.
Comment: This sequence change replaces alanine, which is neutral and non-polar, with threonine, which is neutral and polar, at codon 266 of the TRPV4 protein (p.Ala266Thr). This variant is present in population databases (no rsID available, gnomAD 0.003%). This variant has not been reported in the literature in individuals affected with TRPV4-related conditions. ClinVar contains an entry for this variant (Variation ID: 1192114). Invitae Evidence Modeling of protein sequence and biophysical properties (such as structural, functional, and spatial information, amino acid conservation, physicochemical variation, residue mobility, and thermodynamic stability) has been performed for this missense variant. However, the output from this modeling did not meet the statistical confidence thresholds required to predict the impact of this variant on TRPV4 protein function. In summary, the available evidence is currently insufficient to determine the role of this variant in disease. Therefore, it has been classified as a Variant of Uncertain Significance.

GeneDx
Classification: Uncertain significance. Last evaluated: 2024-09-30. Review status: criteria provided, single submitter. Criteria: GeneDx Variant Classification Process June 2021. Collection method: clinical testing. Allele origin: germline. Affected: yes.
Comment: Has not been previously published as pathogenic or benign to our knowledge; In silico analysis supports that this missense variant has a deleterious effect on protein structure/function; Not observed at significant frequency in large population cohorts (gnomAD)

NM_021625.5(TRPV4):c.796G>A (p.Ala266Thr)

Gene: TRPV4 (transient receptor potential cation channel subfamily V member 4; minus strand). Cytogenetic location: 12q24.11.
Variant type: single nucleotide variant.
Coding change: c.796G>A on transcript NM_021625.5 (MANE Select); coding-DNA position 796, G replaced by A.
Protein change: p.Ala266Thr; replaces alanine 266 with threonine.
Molecular consequence: missense variant. On other transcripts: intron variant (2).
Genome position (GRCh38, 1-based): chr12:109,800,675, C>T on the plus strand (G>A on the coding strand, the complement: TRPV4 is on the minus strand). VCF-style: chr12-109800675-C-T. GRCh37 (hg19) VCF-style: chr12-110238480-C-T.
Other names: c.694G>A, p.Ala232Thr (NM_001177431.2); c.796G>A, p.Ala266Thr (NM_147204.3); c.713-1763G>A (NM_001177433.1, NM_001177428.1); short protein forms A232T, A266T.
Identifiers: ClinVar variation 1192114 (VCV001192114.7), dbSNP rs752366465, ClinGen allele CA386655344.